The following is an entry in ClinVar:

ClinVar aggregate classification (germline): Benign. Review status: criteria provided, multiple submitters, no conflicts (2 of 4 stars). 2 submissions from 2 submitters: Benign (2). Last evaluated 2018-01-13.

Conditions:
Mitochondrial complex I deficiency, nuclear type 1. Also called: NADH-COENZYME Q REDUCTASE DEFICIENCY; MITOCHONDRIAL NADH DEHYDROGENASE COMPONENT OF COMPLEX I, DEFICIENCY OF. Identifiers: MedGen C6022305, MONDO:0100224, OMIM 252010.

Allele frequency attached by ClinVar (database versions not stated): 1000 Genomes Project 30x 0.37555; ExAC 0.47733; TOPMed 0.37159; gnomAD 0.38666 and 0.39025; gnomAD exomes 0.41677 and 0.41882; ESP Exome Variant Server 0.36861; 1000 Genomes Project 0.37780.
gnomAD v4.1: 660,949 of 1,589,954 alleles (42%); highest among the groups gnomAD compares: East Asian, 47%; 138,696 homozygotes.

Submissions (2):

Illumina Laboratory Services, Illumina
Classification: Benign for Mitochondrial complex I deficiency, nuclear type 1. Last evaluated: 2018-01-13. Review status: criteria provided, single submitter. Criteria: ICSL Variant Classification Criteria 13 December 2019. Collection method: clinical testing. Allele origin: germline.
Comment: This variant was observed in the ICSL laboratory as part of a predisposition screen in an ostensibly healthy population. It had not been previously curated by ICSL or reported in the Human Gene Mutation Database (HGMD: prior to June 1st, 2018), and was therefore a candidate for classification through an automated scoring system. Utilizing variant allele frequency, disease prevalence and penetrance estimates, and inheritance mode, an automated score was calculated to assess if this variant is too frequent to cause the disease. Based on the score and internal cut-off values, a variant classified as benign is not then subjected to further curation. The score for this variant resulted in a classification of benign for this disease.

GeneDx
Classification: Benign. Last evaluated: 2015-03-03. Review status: criteria provided, single submitter. Criteria: GeneDx Variant Classification Process June 2021. Collection method: clinical testing. Allele origin: germline. Affected: yes.

NM_002488.4(NDUFA2):c.-48A>G

Genes: NDUFA2 (NADH:ubiquinone oxidoreductase subunit A2; minus strand), TMCO6 (transmembrane and coiled-coil domains 6; plus strand). Cytogenetic location: 5q31.3.
Variant type: single nucleotide variant.
Coding change: c.-48A>G on transcript NM_002488.4; 48 bases upstream of the start codon, A replaced by G.
Genome position (GRCh38, 1-based): chr5:140,647,631, T>C on the plus strand (A>G on the coding strand, the complement: NDUFA2 is on the minus strand). VCF-style: chr5-140647631-T-C. GRCh37 (hg19) VCF-style: chr5-140027216-T-C.
Identifiers: ClinVar variation 351226 (VCV000351226.9), dbSNP rs778593, ClinGen allele CA3442589.
Genomic context (GRCh38, chr5:140,647,631, plus strand): 5'-CGGCCGCCGCCATCCTTGTTAATATCGAAGTCGCCAATTCCAGGTCTTCAGGCCAAGTGC[T>C]CCGGTCTGACCAACCGCGGACCCTAAAGCCTAGCCCATAGGCTGCATGAGGCAGGGGCGG-3'